The following is an entry in ClinVar:

NM_000138.5(FBN1):c.3746G>C (p.Cys1249Ser)

Gene: FBN1 (fibrillin 1; minus strand). Cytogenetic location: 15q21.1.
Variant type: single nucleotide variant.
Coding change: c.3746G>C on transcript NM_000138.5 (MANE Select); coding-DNA position 3746, G replaced by C.
Protein change: p.Cys1249Ser; replaces cysteine 1249 with serine.
Molecular consequence: missense variant.
Genome position (GRCh38, 1-based): chr15:48,483,910, C>G on the plus strand (G>C on the coding strand, the complement: FBN1 is on the minus strand). VCF-style: chr15-48483910-C-G. GRCh37 (hg19) VCF-style: chr15-48776107-C-G.
Other names: short protein forms C1249S.
Identifiers: ClinVar variation 16425 (VCV000016425.5), dbSNP rs137854458, ClinGen allele CA014509.

ClinVar aggregate classification (germline): Likely pathogenic. Review status: criteria provided, single submitter (1 of 4 stars). 2 submissions from 2 submitters: Likely pathogenic (1). 1 of the submissions does not count toward it. Last evaluated 2016-01-28.

Conditions:
Familial thoracic aortic aneurysm and aortic dissection (TAAD). Also called: Thoracic aortic aneurysms and dissections. Identifiers: Orphanet 91387, MedGen C4707243, MONDO:0019625.
Marfan syndrome (MFS). Also called: FBN1-Related Marfan Syndrome; Marfan syndrome type 1; Marfan's syndrome; Marfan syndrome, classic; MARFAN SYNDROME, TYPE I. Identifiers: Orphanet 284963, Orphanet 558, MedGen C0024796, MONDO:0007947, OMIM 154700.

Submissions (2):

Ambry Genetics
Classification: Likely pathogenic for Familial thoracic aortic aneurysm and aortic dissection. Last evaluated: 2016-01-28. Review status: criteria provided, single submitter. Criteria: Ambry Variant Classification Scheme 2023. Collection method: clinical testing. Allele origin: germline.
Comment: The p.C1249S variant (also known as c.3746G>C), located in coding exon 30 of the FBN1 gene, results from a G to C substitution at nucleotide position 3746. The cysteine at codon 1249 is replaced by serine, an amino acid with dissimilar properties. The majority of FBN1 mutations identified to date have involved the substitution or generation of cysteine residues within cbEGF domains (Vollbrandt T et al. J Biol Chem. 2004;279(31):32924-32931). This variant was first reported in a patient described to have classic manifestations of Marfan syndrome, including ectopia lentis and aortic root dilation (Dietz HC et al. Hum Mutat. 1992;1(5):366-74). In separate functional in vitro analyses using fibroblasts, this variant demonstrated significantly reduced fibrillin deposition suggesting inhibited fibrillin assembly from a dominant-negative effect (Aoyama T et al. J Clin Invest. 1994;94(1):130-7; Schrijver I et al. Am J Hum Genet. 1999;65(4):1007-20). This variant was previously reported in the SNPDatabase as rs137854458. It was not reported in population based cohorts in the following databases: NHLBI Exome Sequencing Project (ESP) and 1000 Genomes Project. In the ESP, this variant was not observed in 6494 samples (12988 alleles) with coverage at this position. This amino acid position is highly conserved in available vertebrate species. In addition, this alteration is predicted to be probably damaging and deleterious by PolyPhen and SIFT in silico analyses, respectively. Based on the majority of available evidence to date, this alteration is likely to be pathogenic.

OMIM
Classification: Pathogenic for MARFAN SYNDROME. Last evaluated: 2023-08-11. Review status: no assertion criteria provided. Collection method: literature only. Allele origin: germline. Not counted in ClinVar's aggregate classification.

Literature cited by the submitters: PubMed 10486319 (cited by Ambry Genetics); PubMed 1301946 (cited by Ambry Genetics); PubMed 15161917 (cited by Ambry Genetics); PubMed 8040255 (cited by Ambry Genetics); Dietz, H. C., Sood, I., McIntosh, I. The phenotypic continuum associated with FBN1 mutations includes the Shprintzen-Goldberg syndrome. (Abstract) Am. J. Hum. Genet. 57: A211, 1995. (cited by OMIM).